The following is an entry in ClinVar:

ClinVar aggregate classification (germline): Uncertain significance. Review status: criteria provided, multiple submitters, no conflicts (2 of 4 stars). 2 submissions from 2 submitters: Uncertain significance (2). Last evaluated 2025-08-29.

Conditions:
Inborn genetic diseases. Identifiers: MedGen C0950123, MeSH D030342.
Baller-Gerold syndrome (BGS). Also called: CRANIOSYNOSTOSIS WITH RADIAL DEFECTS. Identifiers: Orphanet 1225, MedGen C0265308, MONDO:0009039, OMIM 218600.

Allele frequency attached by ClinVar (database versions not stated): gnomAD exomes below 0.00001; ExAC 0.00001; TOPMed 0.00002.

Submissions (2):

Ambry Genetics
Classification: Uncertain significance for Inborn genetic diseases. Last evaluated: 2025-08-29. Review status: criteria provided, single submitter. Criteria: Ambry Variant Classification Scheme 2023. Collection method: clinical testing. Allele origin: germline.
Comment: The p.P160L variant (also known as c.479C>T), located in coding exon 5 of the RECQL4 gene, results from a C to T substitution at nucleotide position 479. The proline at codon 160 is replaced by leucine, an amino acid with similar properties. This amino acid position is conserved. In addition, this alteration is predicted to be tolerated by in silico analysis. Based on the available evidence, the clinical significance of this variant remains unclear.

Labcorp Genetics (formerly Invitae), Labcorp
Classification: Uncertain significance for Baller-Gerold syndrome. Last evaluated: 2022-08-31. Review status: criteria provided, single submitter. Criteria: Invitae Variant Classification Sherloc (09022015). Collection method: clinical testing. Allele origin: germline.
Comment: In summary, the available evidence is currently insufficient to determine the role of this variant in disease. Therefore, it has been classified as a Variant of Uncertain Significance. Algorithms developed to predict the effect of missense changes on protein structure and function output the following: SIFT: "Not Available"; PolyPhen-2: "Not Available"; Align-GVGD: "Not Available". The leucine amino acid residue is found in multiple mammalian species, which suggests that this missense change does not adversely affect protein function. ClinVar contains an entry for this variant (Variation ID: 947340). This variant has not been reported in the literature in individuals affected with RECQL4-related conditions. This variant is present in population databases (rs752454965, gnomAD 0.0009%). This sequence change replaces proline, which is neutral and non-polar, with leucine, which is neutral and non-polar, at codon 160 of the RECQL4 protein (p.Pro160Leu).

NM_004260.4(RECQL4):c.479C>T (p.Pro160Leu)

Gene: RECQL4 (RecQ like helicase 4; minus strand). Cytogenetic location: 8q24.3.
Variant type: single nucleotide variant.
Coding change: c.479C>T on transcript NM_004260.4 (MANE Select); coding-DNA position 479, C replaced by T.
Protein change: p.Pro160Leu; replaces proline 160 with leucine.
Molecular consequence: missense variant.
Genome position (GRCh38, 1-based): chr8:144,516,640, G>A on the plus strand (C>T on the coding strand, the complement: RECQL4 is on the minus strand). VCF-style: chr8-144516640-G-A. GRCh37 (hg19) VCF-style: chr8-145742024-G-A.
Other names: short protein forms P160L.
Identifiers: ClinVar variation 947340 (VCV000947340.7), dbSNP rs752454965, ClinGen allele CA4949278.